The following is an entry in ClinVar:

ClinVar aggregate classification (germline): Likely benign. Review status: criteria provided, multiple submitters, no conflicts (2 of 4 stars). 3 submissions from 3 submitters: Likely benign (3). Last evaluated 2026-06-01.

Conditions:
Hereditary motor and sensory neuropathy, Okinawa type (HMSNO). Also called: HEREDITARY MOTOR AND SENSORY NEUROPATHY, PROXIMAL TYPE. Identifiers: Orphanet 90117, MedGen C1858338, MONDO:0011468, OMIM 604484.
Hereditary spastic paraplegia 57. Also called: Spastic paraplegia 57, autosomal recessive. Identifiers: Orphanet 431329, MedGen C3714897, MONDO:0014295, OMIM 615658.
TFG-related disorder. Also called: TFG-related disorders; TFG-related condition.

Allele frequency attached by ClinVar (database versions not stated): gnomAD 0.00003 and 0.00004; gnomAD exomes 0.00005 and 0.00020; TOPMed 0.00007; ExAC 0.00023.
gnomAD v4.1: 76 of 1,613,868 alleles (0.0047%); highest among the groups gnomAD compares: Admixed American, 0.097%; no homozygotes.

Submissions (3):

CeGaT Center for Human Genetics Tuebingen
Classification: Likely benign. Last evaluated: 2026-06-01. Review status: criteria provided, single submitter. Criteria: CeGaT Center For Human Genetics Tuebingen Variant Classification Criteria Version 2. Collection method: clinical testing. Allele origin: germline. Affected: yes. Observed: 1 variant allele.
Comment: TFG: BP4, BP7

Labcorp Genetics (formerly Invitae), Labcorp
Classification: Likely benign for Hereditary motor and sensory neuropathy, Okinawa type; Hereditary spastic paraplegia 57. Last evaluated: 2025-12-24. Review status: criteria provided, single submitter. Criteria: Invitae Variant Classification Sherloc (09022015). Collection method: clinical testing. Allele origin: germline.

PreventionGenetics, part of Exact Sciences
Classification: Likely benign for TFG-related condition. Last evaluated: 2025-03-11. Review status: criteria provided, single submitter. Criteria: ACMG Guidelines, 2015. Collection method: clinical testing. Allele origin: germline.
Comment: This variant is classified as likely benign based on ACMG/AMP sequence variant interpretation guidelines (Richards et al. 2015 PMID: 25741868, with internal and published modifications).

NM_006070.6(TFG):c.996A>G (p.Gln332=)

Gene: TFG (trafficking from ER to golgi regulator; plus strand). Cytogenetic location: 3q12.2.
Variant type: single nucleotide variant.
Coding change: c.996A>G on transcript NM_006070.6 (MANE Select); coding-DNA position 996, A replaced by G.
Protein change: p.Gln332=; no amino-acid change (glutamine 332 retained).
Molecular consequence: synonymous variant.
Genome position (GRCh38, 1-based): chr3:100,748,324, A>G. VCF-style: chr3-100748324-A-G. GRCh37 (hg19) VCF-style: chr3-100467168-A-G.
Other names: c.996A>G, p.Gln332= (NM_001007565.2, NM_001195478.2); c.984A>G, p.Gln328= (NM_001195479.2); c.996A>G (NM_006070.5).
Identifiers: ClinVar variation 1134979 (VCV001134979.11), dbSNP rs774298210, ClinGen allele CA2517241.